The following is an entry in ClinVar:

NM_000260.4(MYO7A):c.4441+88_4441+89insCGCTCCCAGTCCCTTGCTCTGTAGCTCCAGCCCACAGCCTACAAATTCTCAGGTACCCCGCAGCCTGCAACGCTCCCAGTCCCTTGCTCTGTAGCTCCAGCCCACAGCCTACAAATTCTCAGGTACCCCGCAGCCTGCAA

Gene: MYO7A (myosin VIIA; plus strand). Cytogenetic location: 11q13.5.
Variant type: Insertion.
Coding change: c.4441+88_4441+89insCGCTCCCAGTCCCTTGCTCTGTAGCTCCAGCCCACAGCCTACAAATTCTCAGGTACCCCGCAGCCTGCAACGCTCCCAGTCCCTTGCTCTGTAGCTCCAGCCCACAGCCTACAAATTCTCAGGTACCCCGCAGCCTGCAA on transcript NM_000260.4 (MANE Select); bases 88 to 89 of the intron after coding-DNA position 4441, CGCTCCCAGTCCCTTGCTCTGTAGCTCCAGCCCACAGCCTACAAATTCTCAGGTACCCCGCAGCCTGCAACGCTCCCAGTCCCTTGCTCTGTAGCTCCAGCCCACAGCCTACAAATTCTCAGGTACCCCGCAGCCTGCAA inserted.
Molecular consequence: intron variant.
Genome position: GRCh38: chr11:77,197,686-77,197,687. GRCh37 (hg19): chr11:76,908,731-76,908,732.
Other names: c.4408+88_4408+89insCGCTCCCAGTCCCTTGCTCTGTAGCTCCAGCCCACAGCCTACAAATTCTCAGGTACCCCGCAGCCTGCAACGCTCCCAGTCCCTTGCTCTGTAGCTCCAGCCCACAGCCTACAAATTCTCAGGTACCCCGCAGCCTGCAA (NM_001369365.1); c.4441+88_4441+89insCGCTCCCAGTCCCTTGCTCTGTAGCTCCAGCCCACAGCCTACAAATTCTCAGGTACCCCGCAGCCTGCAACGCTCCCAGTCCCTTGCTCTGTAGCTCCAGCCCACAGCCTACAAATTCTCAGGTACCCCGCAGCCTGCAA (NM_001127180.2).
Identifiers: ClinVar variation 4696114 (VCV004696114.1).

ClinVar aggregate classification (germline): Uncertain significance (1 of 4 stars; one submission).

Submission:

Labcorp Genetics (formerly Invitae), Labcorp
Classification: Uncertain significance. Last evaluated: 2025-02-11. Review status: criteria provided, single submitter. Criteria: Invitae Variant Classification Sherloc (09022015). Collection method: clinical testing. Allele origin: germline.
Comment: This sequence change falls in intron 33 of the MYO7A gene. It does not directly change the encoded amino acid sequence of the MYO7A protein. This variant is not present in population databases (gnomAD no frequency). This variant has not been reported in the literature in individuals affected with MYO7A-related conditions. Experimental studies and prediction algorithms are not available or were not evaluated, and the effect of this variant on mRNA splicing is currently unknown. In summary, the available evidence is currently insufficient to determine the role of this variant in disease. Therefore, it has been classified as a Variant of Uncertain Significance.